The following is an entry in ClinVar:

ClinVar aggregate classification (germline): Uncertain significance (1 of 4 stars; one submission).

Conditions:
Osteogenesis imperfecta type I (OI1). Also called: Lobstein disease; Osteogenesis imperfecta type 1; OI, TYPE I; OSTEOGENESIS IMPERFECTA TARDA; OSTEOGENESIS IMPERFECTA WITH BLUE SCLERAE; Lobstein's Disease. Identifiers: Orphanet 216796, Orphanet 666, MedGen C0023931, MONDO:0008146, OMIM 166200. Disease mechanism: loss of function.

Submission:

Labcorp Genetics (formerly Invitae), Labcorp
Classification: Uncertain significance for Osteogenesis imperfecta type I. Last evaluated: 2022-07-05. Review status: criteria provided, single submitter. Criteria: Invitae Variant Classification Sherloc (09022015). Collection method: clinical testing. Allele origin: germline.
Comment: This sequence change replaces valine, which is neutral and non-polar, with glycine, which is neutral and non-polar, at codon 1447 of the COL1A1 protein (p.Val1447Gly). This variant is not present in population databases (gnomAD no frequency). This variant has not been reported in the literature in individuals affected with COL1A1-related conditions. ClinVar contains an entry for this variant (Variation ID: 1505765). Advanced modeling of protein sequence and biophysical properties (such as structural, functional, and spatial information, amino acid conservation, physicochemical variation, residue mobility, and thermodynamic stability) performed at Invitae indicates that this missense variant is not expected to disrupt COL1A1 protein function. In summary, the available evidence is currently insufficient to determine the role of this variant in disease. Therefore, it has been classified as a Variant of Uncertain Significance.

NM_000088.4(COL1A1):c.4340T>G (p.Val1447Gly)

Gene: COL1A1 (collagen type I alpha 1 chain; minus strand). Cytogenetic location: 17q21.33.
Variant type: single nucleotide variant.
Coding change: c.4340T>G on transcript NM_000088.4 (MANE Select); coding-DNA position 4340, T replaced by G.
Protein change: p.Val1447Gly; replaces valine 1447 with glycine.
Molecular consequence: missense variant.
Genome position (GRCh38, 1-based): chr17:50,185,557, A>C on the plus strand (T>G on the coding strand, the complement: COL1A1 is on the minus strand). VCF-style: chr17-50185557-A-C. GRCh37 (hg19) VCF-style: chr17-48262918-A-C.
Other names: short protein forms V1447G.
Identifiers: ClinVar variation 1505765 (VCV001505765.6), dbSNP rs972891143, ClinGen allele CA400190220.